The following is an entry in ClinVar:

ClinVar aggregate classification (germline): Uncertain significance. Review status: criteria provided, multiple submitters, no conflicts (2 of 4 stars). 5 submissions from 5 submitters: Uncertain significance (4). 1 of the submissions does not count toward it. Last evaluated 2025-11-10.

Conditions:
CEP164-related disorder. Also called: CEP164-related condition.
Inborn genetic diseases. Identifiers: MedGen C0950123, MeSH D030342.
Nephronophthisis 15 (NPHP15). Identifiers: Orphanet 3156, MedGen C3541853, MONDO:0013917, OMIM 614845.

Allele frequency attached by ClinVar (database versions not stated): ExAC 0.00001; gnomAD exomes 0.00002; TOPMed 0.00003; gnomAD 0.00004.
gnomAD v4.1: 41 of 1,595,292 alleles (0.0026%); highest among the groups gnomAD compares: African/African-American, 0.0081%; no homozygotes.

Submissions (5):

Labcorp Genetics (formerly Invitae), Labcorp
Classification: Uncertain significance for Nephronophthisis 15. Last evaluated: 2025-11-10. Review status: criteria provided, single submitter. Criteria: Invitae Variant Classification Sherloc (09022015). Collection method: clinical testing. Allele origin: germline.
Comment: This sequence change replaces threonine, which is neutral and polar, with lysine, which is basic and polar, at codon 260 of the CEP164 protein (p.Thr260Lys). This variant is present in population databases (rs776372232, gnomAD 0.01%). This variant has not been reported in the literature in individuals affected with CEP164-related conditions. ClinVar contains an entry for this variant (Variation ID: 963763). An algorithm developed to predict the effect of missense changes on protein structure and function (PolyPhen-2) suggests that this variant is likely to be tolerated. In summary, the available evidence is currently insufficient to determine the role of this variant in disease. Therefore, it has been classified as a Variant of Uncertain Significance.

Ambry Genetics
Classification: Uncertain significance for Inborn genetic diseases. Last evaluated: 2025-11-06. Review status: criteria provided, single submitter. Criteria: Ambry Variant Classification Scheme 2023. Collection method: clinical testing. Allele origin: germline.

GeneDx
Classification: Uncertain significance. Last evaluated: 2022-09-07. Review status: criteria provided, single submitter. Criteria: GeneDx Variant Classification Process June 2021. Collection method: clinical testing. Allele origin: germline. Affected: yes.
Comment: In silico analysis supports that this missense variant does not alter protein structure/function; Has not been previously published as pathogenic or benign to our knowledge

Revvity Omics, Revvity
Classification: Uncertain significance for Nephronophthisis 15. Last evaluated: 2022-06-13. Review status: criteria provided, single submitter. Criteria: ACMG Guidelines, 2015. Collection method: clinical testing. Allele origin: germline.

PreventionGenetics, part of Exact Sciences
Classification: Uncertain significance for CEP164-related condition. Last evaluated: 2024-08-17. Review status: no assertion criteria provided. Collection method: clinical testing. Allele origin: germline. Not counted in ClinVar's aggregate classification.
Comment: The CEP164 c.779C>A variant is predicted to result in the amino acid substitution p.Thr260Lys. To our knowledge, this variant has not been reported in the literature. This variant is reported in 0.012% of alleles in individuals of African descent in gnomAD. At this time, the clinical significance of this variant is uncertain due to the absence of conclusive functional and genetic evidence.

NM_014956.5(CEP164):c.779C>A (p.Thr260Lys)

Gene: CEP164 (centrosomal protein 164; plus strand). Cytogenetic location: 11q23.3.
Variant type: single nucleotide variant.
Coding change: c.779C>A on transcript NM_014956.5 (MANE Select); coding-DNA position 779, C replaced by A.
Protein change: p.Thr260Lys; replaces threonine 260 with lysine.
Molecular consequence: missense variant.
Genome position (GRCh38, 1-based): chr11:117,371,093, C>A. VCF-style: chr11-117371093-C-A. GRCh37 (hg19) VCF-style: chr11-117241809-C-A.
Other names: c.779C>A, p.Thr260Lys (NM_001271933.2); short protein forms T260K.
Identifiers: ClinVar variation 963763 (VCV000963763.12), dbSNP rs776372232, ClinGen allele CA6294593.
Genomic context (GRCh38, chr11:117,371,093, plus strand): 5'-GCACATTCCTTTTGTCTTCCTTTCTAACATGGTCTGTTGCTCCCTAGGAGTCTCTGAGAA[C>A]AAGCCAGCCAGAGGAGAAGAAGGATGTTTCTCTGGATTCAGATGCTGCCGGTCCCCCTAC-3'
Protein context (NP_055771.4, residues 250-270): GDFEYEESLR[Thr260Lys]SQPEEKKDVS